The following is an entry in ClinVar:

NM_001128840.3(CACNA1D):c.3772G>A (p.Ala1258Thr)

Gene: CACNA1D (calcium voltage-gated channel subunit alpha1 D; plus strand). Cytogenetic location: 3p21.1.
Variant type: single nucleotide variant.
Coding change: c.3772G>A on transcript NM_001128840.3 (MANE Select); coding-DNA position 3772, G replaced by A.
Protein change: p.Ala1258Thr; replaces alanine 1258 with threonine.
Molecular consequence: missense variant.
Genome position (GRCh38, 1-based): chr3:53,753,668, G>A. VCF-style: chr3-53753668-G-A. GRCh37 (hg19) VCF-style: chr3-53787695-G-A.
Other names: c.3832G>A, p.Ala1278Thr (NM_000720.4); c.3772G>A, p.Ala1258Thr (NM_001128839.3); short protein forms A1258T, A1278T.
Identifiers: ClinVar variation 1906814 (VCV001906814.5), dbSNP rs371966930, ClinGen allele CA2454666.

ClinVar aggregate classification (germline): Uncertain significance (1 of 4 stars; one submission).

Allele frequency attached by ClinVar (database versions not stated): ExAC 0.00001; gnomAD 0.00001; ESP Exome Variant Server 0.00008.
gnomAD v4.1: 4 of 1,607,648 alleles (0.00025%); highest among the groups gnomAD compares: Non-Finnish European, 0.00026%; no homozygotes.

Submission:

Labcorp Genetics (formerly Invitae), Labcorp
Classification: Uncertain significance. Last evaluated: 2022-04-15. Review status: criteria provided, single submitter. Criteria: Invitae Variant Classification Sherloc (09022015). Collection method: clinical testing. Allele origin: germline.
Comment: This sequence change replaces alanine, which is neutral and non-polar, with threonine, which is neutral and polar, at codon 1278 of the CACNA1D protein (p.Ala1278Thr). In summary, the available evidence is currently insufficient to determine the role of this variant in disease. Therefore, it has been classified as a Variant of Uncertain Significance. Algorithms developed to predict the effect of missense changes on protein structure and function (SIFT, PolyPhen-2, Align-GVGD) all suggest that this variant is likely to be disruptive. This variant has not been reported in the literature in individuals affected with CACNA1D-related conditions. This variant is present in population databases (rs371966930, gnomAD 0.0009%).